The following is an entry in ClinVar:

ClinVar aggregate classification (germline): Uncertain significance. Review status: criteria provided, multiple submitters, no conflicts (2 of 4 stars). 2 submissions from 2 submitters: Uncertain significance (2). Last evaluated 2021-08-31.

Conditions:
Hereditary cancer-predisposing syndrome. Also called: Hereditary Cancer Syndrome; Neoplastic Syndromes, Hereditary; Hereditary neoplastic syndrome; Tumor predisposition. Identifiers: Orphanet 140162, MedGen C0027672, MeSH D009386, MONDO:0015356.
Hereditary nonpolyposis colorectal neoplasms. Identifiers: MedGen C0009405, MeSH D003123.

Submissions (2):

Labcorp Genetics (formerly Invitae), Labcorp
Classification: Uncertain significance for Hereditary nonpolyposis colorectal neoplasms. Last evaluated: 2021-08-31. Review status: criteria provided, single submitter. Criteria: Invitae Variant Classification Sherloc (09022015). Collection method: clinical testing. Allele origin: germline.
Comment: This sequence change replaces lysine with glutamic acid at codon 317 of the MSH6 protein (p.Lys317Glu). The lysine residue is weakly conserved and there is a small physicochemical difference between lysine and glutamic acid. This variant is not present in population databases (ExAC no frequency). This missense change has been observed in individual(s) with clinical features of MSH6-related conditions (PMID: 25980754). ClinVar contains an entry for this variant (Variation ID: 428385). Algorithms developed to predict the effect of missense changes on protein structure and function output the following: SIFT: "Tolerated"; PolyPhen-2: "Benign"; Align-GVGD: "Class C0". The glutamic acid amino acid residue is found in multiple mammalian species, which suggests that this missense change does not adversely affect protein function. In summary, the available evidence is currently insufficient to determine the role of this variant in disease. Therefore, it has been classified as a Variant of Uncertain Significance.

Ambry Genetics
Classification: Uncertain significance for Hereditary cancer-predisposing syndrome. Last evaluated: 2016-08-03. Review status: criteria provided, single submitter. Criteria: Ambry Variant Classification Scheme 2023. Collection method: clinical testing. Allele origin: germline.
Comment: The p.K317E variant (also known as c.949A>G), located in coding exon 4 of the MSH6 gene, results from an A to G substitution at nucleotide position 949. The lysine at codon 317 is replaced by glutamic acid, an amino acid with similar properties. This variant was not reported in population based cohorts in the following databases: Database of Single Nucleotide Polymorphisms (dbSNP), NHLBI Exome Sequencing Project (ESP), and 1000 Genomes Project. In the ESP, this variant was not observed in 6503 samples (13006 alleles) with coverage at this position. To date, this alteration has been detected with an allele frequency of approximately 0.001% (greater than 150000 alleles tested) in our clinical cohort. This amino acid position is not well conserved in available vertebrate species. In addition, this alteration is predicted to be tolerated by in silico analysis. In addition, the CoDP in silico tool predicts this alteration to have minor impact on molecular function, with a score of 0.000 (Terui H et al. J. Biomed. Sci. 2013;20:25). Since supporting evidence is limited at this time, the clinical significance of this alteration remains unclear.

Literature cited by the submitters: PubMed 25980754 (cited by Labcorp Genetics (formerly Invitae), Labcorp).

NM_000179.3(MSH6):c.949A>G (p.Lys317Glu)

Gene: MSH6 (mutS homolog 6; plus strand). Cytogenetic location: 2p16.3.
Variant type: single nucleotide variant.
Coding change: c.949A>G on transcript NM_000179.3 (MANE Select); coding-DNA position 949, A replaced by G.
Protein change: p.Lys317Glu; replaces lysine 317 with glutamic acid.
Molecular consequence: missense variant.
Genome position (GRCh38, 1-based): chr2:47,798,932, A>G. VCF-style: chr2-47798932-A-G. GRCh37 (hg19) VCF-style: chr2-48026071-A-G.
Other names: c.559A>G, p.Lys187Glu (NM_001281492.2); c.43A>G, p.Lys15Glu (NM_001281493.2, NM_001281494.2); short protein forms K317E, K15E, K187E.
Identifiers: ClinVar variation 428385 (VCV000428385.12), dbSNP rs1114167758, ClinGen allele CA346740815.